The following is an entry in ClinVar:

ClinVar aggregate classification (germline): Uncertain significance (1 of 4 stars; one submission).

Conditions:
Inborn genetic diseases. Identifiers: MedGen C0950123, MeSH D030342.

gnomAD v4.1: 12 of 1,612,768 alleles (0.00074%); highest among the groups gnomAD compares: Non-Finnish European, 0.001%; no homozygotes.

Submission:

Ambry Genetics
Classification: Uncertain significance for Inborn genetic diseases. Last evaluated: 2025-10-24. Review status: criteria provided, single submitter. Criteria: Ambry Variant Classification Scheme 2023. Collection method: clinical testing. Allele origin: germline.
Comment: The c.791G>A (p.R264H) alteration is located in exon 2 (coding exon 2) of the HCN2 gene. This alteration results from a G to A substitution at nucleotide position 791, causing the arginine (R) at amino acid position 264 to be replaced by a histidine (H). Based on data from gnomAD, the A allele has an overall frequency of <0.001% (1/250140) total alleles studied. The highest observed frequency was 0.001% (1/112698) of European (non-Finnish) alleles. Based on insufficient or conflicting evidence, the clinical significance of this alteration remains unclear.

NM_001194.4(HCN2):c.791G>A (p.Arg264His)

Gene: HCN2 (hyperpolarization activated cyclic nucleotide gated potassium and sodium channel 2; plus strand). Cytogenetic location: 19p13.3.
Variant type: single nucleotide variant.
Coding change: c.791G>A on transcript NM_001194.4 (MANE Select); coding-DNA position 791, G replaced by A.
Protein change: p.Arg264His; replaces arginine 264 with histidine.
Molecular consequence: missense variant.
Genome position (GRCh38, 1-based): chr19:603,702, G>A. VCF-style: chr19-603702-G-A. GRCh37 (hg19) VCF-style: chr19-603702-G-A.
Other names: short protein forms R264H.
Identifiers: ClinVar variation 4621373 (VCV004621373.1).